The following is an entry in ClinVar:

ClinVar aggregate classification (germline): Benign/Likely benign. Review status: criteria provided, multiple submitters, no conflicts (2 of 4 stars). 8 submissions from 8 submitters: Benign (4); Likely benign (3). 1 of the submissions does not count toward it. Last evaluated 2026-02-01.

Conditions:
Dilated cardiomyopathy 1KK (CMD1KK). Identifiers: Orphanet 154, Orphanet 75249, MedGen C3714995, MONDO:0014100, OMIM 615248.
MYPN-related myopathy (CMYO24). Also called: Nemaline myopathy 11, autosomal recessive. Identifiers: MedGen C4479186, MONDO:0015023, OMIM 617336.

Allele frequency attached by ClinVar (database versions not stated): gnomAD exomes 0.00026 and 0.00068; ExAC 0.00085; gnomAD 0.00255 and 0.00278; ESP Exome Variant Server 0.00277; TOPMed 0.00296; 1000 Genomes Project 30x 0.00297; 1000 Genomes Project 0.00300.
gnomAD v4.1: 768 of 1,607,706 alleles (0.048%); highest among the groups gnomAD compares: African/African-American, 0.92%; 5 homozygotes.

Submissions (8):

Labcorp Genetics (formerly Invitae), Labcorp
Classification: Benign for Dilated cardiomyopathy 1KK. Last evaluated: 2026-02-01. Review status: criteria provided, single submitter. Criteria: Invitae Variant Classification Sherloc (09022015). Collection method: clinical testing. Allele origin: germline.

Blueprint Genetics
Classification: Likely benign. Last evaluated: 2024-07-15. Review status: criteria provided, single submitter. Criteria: ACMG Guidelines, 2015. Collection method: clinical testing. Allele origin: germline.

Women's Health and Genetics/Laboratory Corporation of America, LabCorp
Classification: Benign. Last evaluated: 2023-08-19. Review status: criteria provided, single submitter. Criteria: LabCorp Variant Classification Summary - May 2015. Collection method: clinical testing. Allele origin: germline.

ARUP Laboratories, Molecular Genetics and Genomics, ARUP Laboratories
Classification: Likely benign. Last evaluated: 2021-11-09. Review status: criteria provided, single submitter. Criteria: ARUP Molecular Germline Variant Investigation Process 2021. Collection method: clinical testing. Allele origin: germline.

Fulgent Genetics
Classification: Likely benign for Dilated cardiomyopathy 1KK; MYPN-related myopathy. Last evaluated: 2021-08-11. Review status: criteria provided, single submitter. Criteria: ACMG Guidelines, 2015. Collection method: clinical testing. Allele origin: unknown.

Clinical Genetics DNA and cytogenetics Diagnostics Lab, Erasmus MC, Erasmus Medical Center
Classification: Benign for Dilated cardiomyopathy 1KK. Last evaluated: 2015-09-21. Review status: criteria provided, single submitter. Criteria: ACGS Guidelines, 2013. Collection method: clinical testing. Allele origin: germline. Affected: yes. Study: VKGL Data-share Consensus.

GeneDx
Classification: Benign. Last evaluated: 2014-03-18. Review status: criteria provided, single submitter. Criteria: GeneDx Variant Classification (06012015). Collection method: clinical testing. Allele origin: germline. Affected: yes.
Comment: This variant is considered likely benign or benign based on one or more of the following criteria: it is a conservative change, it occurs at a poorly conserved position in the protein, it is predicted to be benign by multiple in silico algorithms, and/or has population frequency not consistent with disease.

Clinical Genetics, Academic Medical Center
Classification: Benign. Review status: no assertion criteria provided. Collection method: clinical testing. Allele origin: germline. Affected: yes. Study: VKGL Data-share Consensus. Not counted in ClinVar's aggregate classification.

NM_032578.4(MYPN):c.1079-18T>C

Gene: MYPN (myopalladin; plus strand). Cytogenetic location: 10q21.3.
Variant type: single nucleotide variant.
Coding change: c.1079-18T>C on transcript NM_032578.4 (MANE Select); 18 bases into the intron before coding-DNA position 1079, T replaced by C.
Molecular consequence: intron variant.
Genome position (GRCh38, 1-based): chr10:68,145,457, T>C. VCF-style: chr10-68145457-T-C. GRCh37 (hg19) VCF-style: chr10-69905214-T-C.
Other names: c.1079-18T>C (NM_001256267.2); c.197-18T>C (NM_001256268.2).
Identifiers: ClinVar variation 138413 (VCV000138413.21), dbSNP rs114932559, ClinGen allele CA333116.